The following is an entry in ClinVar:

ClinVar aggregate classification (germline): Uncertain significance (1 of 4 stars; one submission).

gnomAD v4.1: 1 of 1,614,064 alleles (0.000062%); highest among the groups gnomAD compares: East Asian, 0.0022%; no homozygotes.

Submission:

GeneDx
Classification: Uncertain significance. Last evaluated: 2025-06-12. Review status: criteria provided, single submitter. Criteria: GeneDx Variant Classification Process June 2021. Collection method: clinical testing. Allele origin: germline. Affected: yes.
Comment: Not observed at significant frequency in large population cohorts (gnomAD); In silico analysis supports that this missense variant has a deleterious effect on protein structure/function; Has not been previously published as pathogenic or benign to our knowledge

NM_004568.6(SERPINB6):c.748T>G (p.Tyr250Asp)

Gene: SERPINB6 (serpin family B member 6; minus strand). Cytogenetic location: 6p25.2.
Variant type: single nucleotide variant.
Coding change: c.748T>G on transcript NM_004568.6 (MANE Select); coding-DNA position 748, T replaced by G.
Protein change: p.Tyr250Asp; replaces tyrosine 250 with aspartic acid.
Molecular consequence: missense variant. On other transcripts: non-coding transcript variant (1).
Genome position (GRCh38, 1-based): chr6:2,948,681, A>C on the plus strand (T>G on the coding strand, the complement: SERPINB6 is on the minus strand). VCF-style: chr6-2948681-A-C. GRCh37 (hg19) VCF-style: chr6-2948915-A-C.
Other names: c.760T>G, p.Tyr254Asp (NM_001195291.3, NM_001374515.1); c.790T>G, p.Tyr264Asp (NM_001271822.2); c.805T>G, p.Tyr269Asp (NM_001271823.2); c.748T>G, p.Tyr250Asp (NM_001271824.2, NM_001271825.2, NM_001297699.2 and 2 more transcripts); c.616T>G, p.Tyr206Asp (NM_001374517.1); short protein forms Y206D, Y250D, Y254D, Y264D, Y269D.
Identifiers: ClinVar variation 4538019 (VCV004538019.1).
Genomic context (GRCh38, chr6:2,948,681, plus strand): 5'-ACACTTCCACCTCCTCTTCATCCATCATGTCCAGCCTCGTCCATTCTACGAACTTCTCGT[A>C]AGTGAGTTCTTTCTCCACCTAGAGGGAGACAGTTGAAGACTTTAAGACCCAGGGTGCTGC-3'
Protein context (NP_004559.4, residues 240-260): DLRTVEKELT[Tyr250Asp]EKFVEWTRLD